The following is an entry in ClinVar:

NM_198506.5(LRIT3):c.983G>A (p.Cys328Tyr)

Gene: LRIT3 (leucine rich repeat, Ig-like and transmembrane domains 3; plus strand). Cytogenetic location: 4q25.
Variant type: single nucleotide variant.
Coding change: c.983G>A on transcript NM_198506.5 (MANE Select); coding-DNA position 983, G replaced by A.
Protein change: p.Cys328Tyr; replaces cysteine 328 with tyrosine.
Molecular consequence: missense variant.
Genome position (GRCh38, 1-based): chr4:109,869,732, G>A. VCF-style: chr4-109869732-G-A. GRCh37 (hg19) VCF-style: chr4-110790888-G-A.
Other names: short protein forms C328Y.
Identifiers: ClinVar variation 39438 (VCV000039438.7), dbSNP rs376610215, ClinGen allele CA130291.

ClinVar aggregate classification (germline): Conflicting classifications of pathogenicity. Review status: criteria provided, conflicting classifications (1 of 4 stars). 3 submissions from 3 submitters: Likely pathogenic (1); Uncertain significance (1). 1 of the submissions does not count toward it. Last evaluated 2022-11-22.

Conditions:
LRIT3-related disorders.
Congenital stationary night blindness 1F. Also called: Night blindness, congenital stationary (complete), 1F, autosomal recessive. Identifiers: Orphanet 215, MedGen C3554399, MONDO:0014026, OMIM 615058.

Allele frequency attached by ClinVar (database versions not stated): gnomAD 0.00002; gnomAD exomes 0.00002; ExAC 0.00003; ESP Exome Variant Server 0.00008; TOPMed 0.00002.
gnomAD v4.1: 35 of 1,612,756 alleles (0.0022%); highest among the groups gnomAD compares: African/African-American, 0.0027%; no homozygotes.

Submissions (3):

Labcorp Genetics (formerly Invitae), Labcorp
Classification: Uncertain significance. Last evaluated: 2022-11-22. Review status: criteria provided, single submitter. Criteria: Invitae Variant Classification Sherloc (09022015). Collection method: clinical testing. Allele origin: germline.
Comment: In summary, the available evidence is currently insufficient to determine the role of this variant in disease. Therefore, it has been classified as a Variant of Uncertain Significance. Algorithms developed to predict the effect of missense changes on protein structure and function (SIFT, PolyPhen-2, Align-GVGD) all suggest that this variant is likely to be disruptive. ClinVar contains an entry for this variant (Variation ID: 39438). This missense change has been observed in individual(s) with congenital stationary night blindness (PMID: 23246293). In at least one individual the data is consistent with being in trans (on the opposite chromosome) from a pathogenic variant. This variant is present in population databases (rs376610215, gnomAD 0.004%). This sequence change replaces cysteine, which is neutral and slightly polar, with tyrosine, which is neutral and polar, at codon 328 of the LRIT3 protein (p.Cys328Tyr).

Blueprint Genetics
Classification: Likely pathogenic for LRIT3-related disorders. Last evaluated: 2022-08-30. Review status: criteria provided, single submitter. Criteria: ACMG Guidelines, 2015. Collection method: clinical testing. Allele origin: germline. Affected: yes. Observed: 2 variant alleles.

OMIM
Classification: Pathogenic for NIGHT BLINDNESS, CONGENITAL STATIONARY, TYPE 1F. Last evaluated: 2013-01-10. Review status: no assertion criteria provided. Collection method: literature only. Allele origin: germline. Not counted in ClinVar's aggregate classification.

Literature cited by the submitters: PubMed 23246293 (cited by Labcorp Genetics (formerly Invitae), Labcorp and OMIM).